The following is an entry in ClinVar:

ClinVar aggregate classification (germline): Uncertain significance (1 of 4 stars; one submission).

Conditions:
Hereditary cancer-predisposing syndrome. Also called: Neoplastic Syndromes, Hereditary; Tumor predisposition; Hereditary Cancer Syndrome; Hereditary neoplastic syndrome. Identifiers: Orphanet 140162, MedGen C0027672, MeSH D009386, MONDO:0015356.

Submission:

Ambry Genetics
Classification: Uncertain significance for Hereditary cancer-predisposing syndrome. Last evaluated: 2026-08-19. Review status: criteria provided, single submitter. Criteria: Ambry Variant Classification Scheme 2023. Collection method: clinical testing. Allele origin: germline.
Comment: The p.Q770P variant (also known as c.2309A>C), located in coding exon 22 of the RB1 gene, results from an A to C substitution at nucleotide position 2309. The glutamine at codon 770 is replaced by proline, an amino acid with similar properties. This amino acid position is highly conserved in available vertebrate species. In addition, this alteration is predicted to be deleterious by in silico analysis. Based on the available evidence, the clinical significance of this variant remains unclear.

NM_000321.3(RB1):c.2309A>C (p.Gln770Pro)

Gene: RB1 (RB transcriptional corepressor 1; plus strand). Cytogenetic location: 13q14.2.
Variant type: single nucleotide variant.
Coding change: c.2309A>C on transcript NM_000321.3 (MANE Select); coding-DNA position 2309, A replaced by C.
Protein change: p.Gln770Pro; replaces glutamine 770 with proline.
Molecular consequence: missense variant.
Genome position (GRCh38, 1-based): chr13:48,465,095, A>C. VCF-style: chr13-48465095-A-C. GRCh37 (hg19) VCF-style: chr13-49039231-A-C.
Other names: c.2309A>C, p.Gln770Pro (NM_001407165.1); short protein forms Q770P.
Identifiers: ClinVar variation 3231217 (VCV003231217.2), dbSNP rs2138344994, ClinGen allele CA388167703.